The following is an entry in ClinVar:

ClinVar aggregate classification (germline): Uncertain significance. Review status: criteria provided, multiple submitters, no conflicts (2 of 4 stars). 3 submissions from 3 submitters: Uncertain significance (3). Last evaluated 2024-10-02.

Conditions:
Gastrointestinal stromal tumor. Also called: Gastrointestinal stromal tumor, somatic; Gastrointestinal stroma tumor. Identifiers: Orphanet 44890, MedGen C0238198, MeSH D046152, MONDO:0011719, OMIM 606764, HP:0100723.
Hereditary cancer-predisposing syndrome. Also called: Hereditary Cancer Syndrome; Tumor predisposition; Neoplastic Syndromes, Hereditary; Hereditary neoplastic syndrome. Identifiers: Orphanet 140162, MedGen C0027672, MeSH D009386, MONDO:0015356.

Allele frequency attached by ClinVar (database versions not stated): gnomAD exomes below 0.00001.
gnomAD v4.1: 1 of 1,614,110 alleles (0.000062%); highest among the groups gnomAD compares: Non-Finnish European, 0.000085%; no homozygotes.

Submissions (3):

Ambry Genetics
Classification: Uncertain significance for Hereditary cancer-predisposing syndrome. Last evaluated: 2024-10-02. Review status: criteria provided, single submitter. Criteria: Ambry Variant Classification Scheme 2023. Collection method: clinical testing. Allele origin: germline.
Comment: The p.D714V variant (also known as c.2141A>T), located in coding exon 14 of the PDGFRA gene, results from an A to T substitution at nucleotide position 2141. The aspartic acid at codon 714 is replaced by valine, an amino acid with highly dissimilar properties. This amino acid position is conserved. In addition, this alteration is predicted to be deleterious by in silico analysis. Since supporting evidence is limited at this time, the clinical significance of this alteration remains unclear.

GeneDx
Classification: Uncertain significance. Last evaluated: 2024-07-12. Review status: criteria provided, single submitter. Criteria: GeneDx Variant Classification Process June 2021. Collection method: clinical testing. Allele origin: germline. Affected: yes.
Comment: Not observed at significant frequency in large population cohorts (gnomAD); In silico analysis indicates that this missense variant does not alter protein structure/function; Has not been previously published as pathogenic or benign to our knowledge

Labcorp Genetics (formerly Invitae), Labcorp
Classification: Uncertain significance for Gastrointestinal stromal tumor. Last evaluated: 2024-01-30. Review status: criteria provided, single submitter. Criteria: Invitae Variant Classification Sherloc (09022015). Collection method: clinical testing. Allele origin: germline.
Comment: This sequence change replaces aspartic acid, which is acidic and polar, with valine, which is neutral and non-polar, at codon 714 of the PDGFRA protein (p.Asp714Val). This variant is not present in population databases (gnomAD no frequency). This variant has not been reported in the literature in individuals affected with PDGFRA-related conditions. ClinVar contains an entry for this variant (Variation ID: 575407). Advanced modeling of protein sequence and biophysical properties (such as structural, functional, and spatial information, amino acid conservation, physicochemical variation, residue mobility, and thermodynamic stability) performed at Invitae indicates that this missense variant is not expected to disrupt PDGFRA protein function with a negative predictive value of 80%. In summary, the available evidence is currently insufficient to determine the role of this variant in disease. Therefore, it has been classified as a Variant of Uncertain Significance.

NM_006206.6(PDGFRA):c.2141A>T (p.Asp714Val)

Gene: PDGFRA (platelet derived growth factor receptor alpha; plus strand). Cytogenetic location: 4q12.
Variant type: single nucleotide variant.
Coding change: c.2141A>T on transcript NM_006206.6 (MANE Select); coding-DNA position 2141, A replaced by T.
Protein change: p.Asp714Val; replaces aspartic acid 714 with valine.
Molecular consequence: missense variant.
Genome position (GRCh38, 1-based): chr4:54,278,500, A>T. VCF-style: chr4-54278500-A-T. GRCh37 (hg19) VCF-style: chr4-55144667-A-T.
Other names: c.2141A>T, p.Asp714Val (NM_001347827.2, NM_001347829.2); c.2216A>T, p.Asp739Val (NM_001347828.2); c.2180A>T, p.Asp727Val (NM_001347830.2); short protein forms D714V, D727V, D739V.
Identifiers: ClinVar variation 575407 (VCV000575407.13), dbSNP rs1560483897, ClinGen allele CA356894139.